The following is an entry in ClinVar:

NM_000094.4(COL7A1):c.5549C>T (p.Pro1850Leu)

Gene: COL7A1 (collagen type VII alpha 1 chain; minus strand). Cytogenetic location: 3p21.31.
Variant type: single nucleotide variant.
Coding change: c.5549C>T on transcript NM_000094.4 (MANE Select); coding-DNA position 5549, C replaced by T.
Protein change: p.Pro1850Leu; replaces proline 1850 with leucine.
Molecular consequence: missense variant.
Genome position (GRCh38, 1-based): chr3:48,577,011, G>A on the plus strand (C>T on the coding strand, the complement: COL7A1 is on the minus strand). VCF-style: chr3-48577011-G-A. GRCh37 (hg19) VCF-style: chr3-48614444-G-A.
Other names: short protein forms P1850L.
Identifiers: ClinVar variation 2740949 (VCV002740949.3), dbSNP rs377424392, ClinGen allele CA352670941.

ClinVar aggregate classification (germline): Uncertain significance (1 of 4 stars; one submission).

gnomAD v4.1: 19 of 1,613,840 alleles (0.0012%); highest among the groups gnomAD compares: Non-Finnish European, 0.0014%; no homozygotes.

Submission:

Labcorp Genetics (formerly Invitae), Labcorp
Classification: Uncertain significance. Last evaluated: 2024-10-30. Review status: criteria provided, single submitter. Criteria: Invitae Variant Classification Sherloc (09022015). Collection method: clinical testing. Allele origin: germline.
Comment: This sequence change replaces proline, which is neutral and non-polar, with leucine, which is neutral and non-polar, at codon 1850 of the COL7A1 protein (p.Pro1850Leu). This variant is present in population databases (no rsID available, gnomAD 0.002%). This variant has not been reported in the literature in individuals affected with COL7A1-related conditions. ClinVar contains an entry for this variant (Variation ID: 2740949). Invitae Evidence Modeling of protein sequence and biophysical properties (such as structural, functional, and spatial information, amino acid conservation, physicochemical variation, residue mobility, and thermodynamic stability) has been performed for this missense variant. However, the output from this modeling did not meet the statistical confidence thresholds required to predict the impact of this variant on COL7A1 protein function. In summary, the available evidence is currently insufficient to determine the role of this variant in disease. Therefore, it has been classified as a Variant of Uncertain Significance.